The following is an entry in ClinVar:

ClinVar aggregate classification (germline): Uncertain significance. Review status: criteria provided, multiple submitters, no conflicts (2 of 4 stars). 2 submissions from 2 submitters: Uncertain significance (2). Last evaluated 2025-07-16.

Conditions:
Inborn genetic diseases. Identifiers: MedGen C0950123, MeSH D030342.

Allele frequency attached by ClinVar (database versions not stated): ExAC 0.00007; TOPMed 0.00011; gnomAD 0.00014.
gnomAD v4.1: 31 of 1,543,278 alleles (0.002%); highest among the groups gnomAD compares: African/African-American, 0.038%; no homozygotes.

Submissions (2):

Women's Health and Genetics/Laboratory Corporation of America, LabCorp
Classification: Uncertain significance. Last evaluated: 2025-07-16. Review status: criteria provided, single submitter. Criteria: LabCorp Variant Classification Summary - May 2015. Collection method: clinical testing. Allele origin: germline.
Comment: Variant summary: PDE8B c.256G>A (p.Ala86Thr) results in a non-conservative amino acid change in the encoded protein sequence. Algorithms developed to predict the effect of missense changes on protein structure and function are either unavailable or do not agree on the potential impact of this missense change. The frequency data for this variant in gnomAD is considered unreliable, as metrics indicate poor data quality at this position. To our knowledge, no occurrence of c.256G>A in individuals affected with PDE8B-Related Disorders and no experimental evidence demonstrating its impact on protein function have been reported. ClinVar contains an entry for this variant (Variation ID: 3069012). Based on the evidence outlined above, the variant was classified as uncertain significance.

Ambry Genetics
Classification: Uncertain significance for Inborn genetic diseases. Last evaluated: 2023-09-25. Review status: criteria provided, single submitter. Criteria: Ambry Variant Classification Scheme 2023. Collection method: clinical testing. Allele origin: germline.

NM_003719.5(PDE8B):c.256G>A (p.Ala86Thr)

Gene: PDE8B (phosphodiesterase 8B; plus strand). Cytogenetic location: 5q13.3.
Variant type: single nucleotide variant.
Coding change: c.256G>A on transcript NM_003719.5 (MANE Select); coding-DNA position 256, G replaced by A.
Protein change: p.Ala86Thr; replaces alanine 86 with threonine.
Molecular consequence: missense variant. On other transcripts: 5 prime UTR variant (1), intron variant (15).
Genome position (GRCh38, 1-based): chr5:77,211,181, G>A. VCF-style: chr5-77211181-G-A. GRCh37 (hg19) VCF-style: chr5-76507006-G-A.
Other names: c.256G>A, p.Ala86Thr (NM_001349748.3, NM_001349749.3, NM_001349751.3 and 7 more transcripts); c.-114G>A (NM_001349753.2); c.-34+92660G>A (NM_001414622.1, NM_001414623.1); c.36+30695G>A (NM_001349750.3, NM_001376069.1, NM_001376062.1 and 7 more transcripts); c.-34+1135G>A (NM_001376067.1, NM_001376075.1); c.-31+1135G>A (NM_001376068.1); c.256G>A (NM_003719.3); short protein forms A86T.
Identifiers: ClinVar variation 3069012 (VCV003069012.4), dbSNP rs758415005, ClinGen allele CA3314835.